The following is an entry in ClinVar:

NM_015425.6(POLR1A):c.4552G>A (p.Asp1518Asn)

Gene: POLR1A (RNA polymerase I subunit A; minus strand). Cytogenetic location: 2p11.2.
Variant type: single nucleotide variant.
Coding change: c.4552G>A on transcript NM_015425.6 (MANE Select); coding-DNA position 4552, G replaced by A.
Protein change: p.Asp1518Asn; replaces aspartic acid 1518 with asparagine.
Molecular consequence: missense variant.
Genome position (GRCh38, 1-based): chr2:86,031,356, C>T on the plus strand (G>A on the coding strand, the complement: POLR1A is on the minus strand). VCF-style: chr2-86031356-C-T. GRCh37 (hg19) VCF-style: chr2-86258479-C-T.
Other names: short protein forms D1518N.
Identifiers: ClinVar variation 1357837 (VCV001357837.6), dbSNP rs774906086, ClinGen allele CA1745468.

ClinVar aggregate classification (germline): Uncertain significance (1 of 4 stars; one submission).

Allele frequency attached by ClinVar (database versions not stated): gnomAD 0.00001; gnomAD exomes 0.00001 and 0.00002; TOPMed 0.00002; ExAC 0.00003.
gnomAD v4.1: 17 of 1,578,700 alleles (0.0011%); highest among the groups gnomAD compares: Admixed American, 0.0018%; no homozygotes.

Submission:

Labcorp Genetics (formerly Invitae), Labcorp
Classification: Uncertain significance. Last evaluated: 2021-04-14. Review status: criteria provided, single submitter. Criteria: Invitae Variant Classification Sherloc (09022015). Collection method: clinical testing. Allele origin: germline.
Comment: This sequence change replaces aspartic acid with asparagine at codon 1518 of the POLR1A protein (p.Asp1518Asn). The aspartic acid residue is highly conserved and there is a small physicochemical difference between aspartic acid and asparagine. In summary, the available evidence is currently insufficient to determine the role of this variant in disease. Therefore, it has been classified as a Variant of Uncertain Significance. Algorithms developed to predict the effect of missense changes on protein structure and function are either unavailable or do not agree on the potential impact of this missense change (SIFT: "Not Available"; PolyPhen-2: "Probably Damaging"; Align-GVGD: "Not Available"). This variant has not been reported in the literature in individuals with POLR1A-related conditions. This variant is present in population databases (rs774906086, ExAC 0.005%).